The following is an entry in ClinVar:

ClinVar aggregate classification (germline): Uncertain significance (1 of 4 stars; one submission).

Allele frequency attached by ClinVar (database versions not stated): TOPMed below 0.00001.

Submission:

Labcorp Genetics (formerly Invitae), Labcorp
Classification: Uncertain significance. Last evaluated: 2022-07-21. Review status: criteria provided, single submitter. Criteria: Invitae Variant Classification Sherloc (09022015). Collection method: clinical testing. Allele origin: germline.
Comment: In summary, the available evidence is currently insufficient to determine the role of this variant in disease. Therefore, it has been classified as a Variant of Uncertain Significance. This sequence change replaces threonine, which is neutral and polar, with alanine, which is neutral and non-polar, at codon 318 of the ACBD5 protein (p.Thr318Ala). This variant is not present in population databases (gnomAD no frequency). This variant has not been reported in the literature in individuals affected with ACBD5-related conditions. Algorithms developed to predict the effect of missense changes on protein structure and function are either unavailable or do not agree on the potential impact of this missense change (SIFT: "Deleterious"; PolyPhen-2: "Benign"; Align-GVGD: "Class C0").

NM_145698.5(ACBD5):c.952A>G (p.Thr318Ala)

Gene: ACBD5 (acyl-CoA binding domain containing 5; minus strand). Cytogenetic location: 10p12.1.
Variant type: single nucleotide variant.
Coding change: c.952A>G on transcript NM_145698.5 (MANE Select); coding-DNA position 952, A replaced by G.
Protein change: p.Thr318Ala; replaces threonine 318 with alanine.
Molecular consequence: missense variant.
Genome position (GRCh38, 1-based): chr10:27,211,066, T>C on the plus strand (A>G on the coding strand, the complement: ACBD5 is on the minus strand). VCF-style: chr10-27211066-T-C. GRCh37 (hg19) VCF-style: chr10-27499995-T-C.
Other names: c.847A>G, p.Thr283Ala (NM_001042473.4, NM_001352577.2, NM_001352578.2 and 1 more transcripts); c.946A>G, p.Thr316Ala (NM_001271512.3); c.625A>G, p.Thr209Ala (NM_001301251.2, NM_001301252.2, NM_001301253.2 and 2 more transcripts); c.421A>G, p.Thr141Ala (NM_001301254.2); c.1006A>G, p.Thr336Ala (NM_001352568.1); c.985A>G, p.Thr329Ala (NM_001352569.1); c.952A>G, p.Thr318Ala (NM_001352570.1); c.979A>G, p.Thr327Ala (NM_001352571.1); and 10 more; short protein forms T220A, T294A, T316A, T141A, T261A, T283A, T318A, T327A.
Identifiers: ClinVar variation 2129300 (VCV002129300.4), dbSNP rs2061027014, ClinGen allele CA376374240.